The following is an entry in ClinVar:

NM_020458.4(TTC7A):c.2306A>G (p.Lys769Arg)

Gene: TTC7A (tetratricopeptide repeat domain 7A; plus strand). Cytogenetic location: 2p21.
Variant type: single nucleotide variant.
Coding change: c.2306A>G on transcript NM_020458.4 (MANE Select); coding-DNA position 2306, A replaced by G.
Protein change: p.Lys769Arg; replaces lysine 769 with arginine.
Molecular consequence: missense variant.
Genome position (GRCh38, 1-based): chr2:47,060,922, A>G. VCF-style: chr2-47060922-A-G. GRCh37 (hg19) VCF-style: chr2-47288061-A-G.
Other names: c.2378A>G, p.Lys793Arg (NM_001288951.2); c.2204A>G, p.Lys735Arg (NM_001288953.2); c.1244A>G, p.Lys415Arg (NM_001288955.2); short protein forms K769R, K415R, K735R, K793R.
Identifiers: ClinVar variation 846847 (VCV000846847.7), dbSNP rs775700661, ClinGen allele CA1648091.

ClinVar aggregate classification (germline): Uncertain significance (1 of 4 stars; one submission).

Conditions:
Multiple gastrointestinal atresias. Also called: FAMILIAL INTESTINAL POLYATRESIA SYNDROME; Multiple intestinal atresia. Identifiers: Orphanet 2300, MedGen C0220744, MONDO:0009465.

Allele frequency attached by ClinVar (database versions not stated): gnomAD exomes below 0.00001; ExAC 0.00001; TOPMed 0.00001.
gnomAD v4.1: 3 of 1,614,134 alleles (0.00019%); highest among the groups gnomAD compares: Non-Finnish European, 0.00017%; no homozygotes.

Submission:

Labcorp Genetics (formerly Invitae), Labcorp
Classification: Uncertain significance for Multiple gastrointestinal atresias. Last evaluated: 2021-08-31. Review status: criteria provided, single submitter. Criteria: Invitae Variant Classification Sherloc (09022015). Collection method: clinical testing. Allele origin: germline.
Comment: This sequence change replaces lysine with arginine at codon 769 of the TTC7A protein (p.Lys769Arg). The lysine residue is weakly conserved and there is a small physicochemical difference between lysine and arginine. This variant is present in population databases (rs775700661, ExAC 0.01%). This variant has not been reported in the literature in individuals affected with TTC7A-related conditions. Algorithms developed to predict the effect of missense changes on protein structure and function (SIFT, PolyPhen-2, Align-GVGD) all suggest that this variant is likely to be tolerated. In summary, the available evidence is currently insufficient to determine the role of this variant in disease. Therefore, it has been classified as a Variant of Uncertain Significance.